The following is an entry in ClinVar:

NM_001943.5(DSG2):c.305T>A (p.Phe102Tyr)

Gene: DSG2 (desmoglein 2; plus strand). Cytogenetic location: 18q12.1.
Variant type: single nucleotide variant.
Coding change: c.305T>A on transcript NM_001943.5 (MANE Select); coding-DNA position 305, T replaced by A.
Protein change: p.Phe102Tyr; replaces phenylalanine 102 with tyrosine.
Molecular consequence: missense variant.
Genome position (GRCh38, 1-based): chr18:31,520,891, T>A. VCF-style: chr18-31520891-T-A. GRCh37 (hg19) VCF-style: chr18-29100854-T-A.
Other names: c.305T>A (NM_001943.3); short protein forms F102Y.
Identifiers: ClinVar variation 932224 (VCV000932224.10), dbSNP rs2073123855, ClinGen allele CA402131528.

ClinVar aggregate classification (germline): Uncertain significance. Review status: criteria provided, multiple submitters, no conflicts (2 of 4 stars). 5 submissions from 5 submitters: Uncertain significance (5). Last evaluated 2025-06-28.

Conditions:
Arrhythmogenic right ventricular cardiomyopathy (ARVD). Also called: Arrhythmogenic cardiomyopathy; Cardiomyopathy, ARVC; Arrhythmogenic right ventricular dysplasia; Arrhythmogenic Right Ventricular Cardiomyopathy (ARVC). Identifiers: Orphanet 247, MedGen C0349788, MeSH D019571, MONDO:0016587. Disease mechanism: loss of function. Inheritance: Various modes of inheritance.
Cardiomyopathy (CMYO). Also called: Cardiomyopathies. Identifiers: Orphanet 167848, MedGen C0878544, MONDO:0004994, HP:0001638. Inheritance: Various modes of inheritance.
Cardiovascular phenotype. Identifiers: MedGen CN230736.
Arrhythmogenic right ventricular dysplasia 10. Also called: Arrhythmogenic Right Ventricular Dysplasia/Cardiomyopathy10; ARRHYTHMOGENIC RIGHT VENTRICULAR DYSPLASIA, FAMILIAL, 10; Arrhythmogenic right ventricular dysplasia/cardiomyopathy, type 10. Identifiers: MedGen C1857777, MONDO:0012434, OMIM 610193.

Allele frequency attached by ClinVar (database versions not stated): gnomAD exomes below 0.00001.

Submissions (5):

Ambry Genetics
Classification: Uncertain significance for Cardiovascular phenotype. Last evaluated: 2025-06-28. Review status: criteria provided, single submitter. Criteria: Ambry Variant Classification Scheme 2023. Collection method: clinical testing. Allele origin: germline.
Comment: The p.F102Y variant (also known as c.305T>A), located in coding exon 4 of the DSG2 gene, results from a T to A substitution at nucleotide position 305. The phenylalanine at codon 102 is replaced by tyrosine, an amino acid with highly similar properties. This amino acid position is conserved. In addition, this alteration is predicted to be deleterious by in silico analysis. Based on the available evidence, the clinical significance of this variant remains unclear.

Labcorp Genetics (formerly Invitae), Labcorp
Classification: Uncertain significance for Arrhythmogenic right ventricular dysplasia 10. Last evaluated: 2024-12-15. Review status: criteria provided, single submitter. Criteria: Invitae Variant Classification Sherloc (09022015). Collection method: clinical testing. Allele origin: germline.
Comment: This sequence change replaces phenylalanine, which is neutral and non-polar, with tyrosine, which is neutral and polar, at codon 102 of the DSG2 protein (p.Phe102Tyr). This variant is not present in population databases (gnomAD no frequency). This variant has not been reported in the literature in individuals affected with DSG2-related conditions. ClinVar contains an entry for this variant (Variation ID: 932224). Invitae Evidence Modeling of protein sequence and biophysical properties (such as structural, functional, and spatial information, amino acid conservation, physicochemical variation, residue mobility, and thermodynamic stability) has been performed for this missense variant. However, the output from this modeling did not meet the statistical confidence thresholds required to predict the impact of this variant on DSG2 protein function. In summary, the available evidence is currently insufficient to determine the role of this variant in disease. Therefore, it has been classified as a Variant of Uncertain Significance.

Color Diagnostics, LLC DBA Color Health
Classification: Uncertain significance for Cardiomyopathy. Last evaluated: 2024-03-06. Review status: criteria provided, single submitter. Criteria: ACMG Guidelines, 2015. Collection method: clinical testing. Allele origin: germline.
Comment: This missense variant replaces phenylalanine with tyrosine at codon 102 of the DSG2 protein. Computational prediction is inconclusive regarding the impact of this variant on protein structure and function (internally defined REVEL score threshold 0.5 < inconclusive < 0.7, PMID: 27666373). To our knowledge, functional studies have not been reported for this variant. This variant has not been reported in individuals affected with cardiovascular disorders in the literature. This variant has not been identified in the general population by the Genome Aggregation Database (gnomAD). The available evidence is insufficient to determine the role of this variant in disease conclusively. Therefore, this variant is classified as a Variant of Uncertain Significance.

All of Us Research Program, National Institutes of Health
Classification: Uncertain significance for Arrhythmogenic right ventricular cardiomyopathy. Last evaluated: 2023-10-06. Review status: criteria provided, single submitter. Criteria: ACMG Guidelines, 2015. Collection method: clinical testing. Allele origin: germline. Inheritance: Autosomal dominant inheritance. Observed: 1 variant allele, 1 heterozygote.
Comment: This missense variant replaces phenylalanine with tyrosine at codon 102 of the DSG2 protein. Computational prediction is inconclusive regarding the impact of this variant on protein structure and function (internally defined REVEL score threshold 0.5 < inconclusive < 0.7, PMID: 27666373). To our knowledge, functional studies have not been reported for this variant. This variant has not been reported in individuals affected with cardiovascular disorders in the literature. This variant has not been identified in the general population by the Genome Aggregation Database (gnomAD). The available evidence is insufficient to determine the role of this variant in disease conclusively. Therefore, this variant is classified as a Variant of Uncertain Significance.

This study involves interpretation of variants in research participants for the purpose of population health screening. Participant phenotype was not available at the time of variant classification. Additional details can be found in publication PMID: 35346344, PMCID: PMC8962531

Women's Health and Genetics/Laboratory Corporation of America, LabCorp
Classification: Uncertain significance. Last evaluated: 2020-05-18. Review status: criteria provided, single submitter. Criteria: LabCorp Variant Classification Summary - May 2015. Collection method: clinical testing. Allele origin: germline.
Comment: Variant summary: DSG2 c.305T>A (p.Phe102Tyr) results in a conservative amino acid change located in the Cadherin-like domain (IPR002126) of the encoded protein sequence. Four of five in-silico tools predict a damaging effect of the variant on protein function. The variant was absent in 249182 control chromosomes. The available data on variant occurrences in the general population are insufficient to allow any conclusion about variant significance. To our knowledge, no occurrence of c.305T>A in individuals affected with Cardiomyopathy and no experimental evidence demonstrating its impact on protein function have been reported. No clinical diagnostic laboratories have submitted clinical-significance assessments for this variant to ClinVar after 2014. Based on the evidence outlined above, the variant was classified as uncertain significance.